The following is an entry in ClinVar:

ClinVar aggregate classification (germline): Benign/Likely benign. Review status: criteria provided, multiple submitters, no conflicts (2 of 4 stars). 7 submissions from 7 submitters: Benign (1); Likely benign (3). 3 of the submissions do not count toward it. Last evaluated 2026-01-26.

Conditions:
Zellweger spectrum disorders (ZS). Also called: Zellweger Spectrum Disorder; Zellweger Spectrum; Zellweger syndrome; Zellweger Spectrum Disorder (ZSD). Identifiers: Orphanet 912, MedGen C0043459, MONDO:0019609.

Allele frequency attached by ClinVar (database versions not stated): gnomAD exomes 0.00039; ExAC 0.00042; gnomAD 0.00124; TOPMed 0.00125; 1000 Genomes Project 0.00140; 1000 Genomes Project 30x 0.00141; ESP Exome Variant Server 0.00169.
gnomAD v4.1: 388 of 1,600,220 alleles (0.024%); highest among the groups gnomAD compares: African/African-American, 0.44%; 2 homozygotes.

Submissions (7):

Labcorp Genetics (formerly Invitae), Labcorp
Classification: Benign for Zellweger spectrum disorders. Last evaluated: 2026-01-26. Review status: criteria provided, single submitter. Criteria: Invitae Variant Classification Sherloc (09022015). Collection method: clinical testing. Allele origin: germline.

CeGaT Center for Human Genetics Tuebingen
Classification: Likely benign. Last evaluated: 2025-09-01. Review status: criteria provided, single submitter. Criteria: CeGaT Center For Human Genetics Tuebingen Variant Classification Criteria Version 2. Collection method: clinical testing. Allele origin: germline. Affected: yes. Observed: 1 variant allele.
Comment: PEX1: BP4, BP7

Blueprint Genetics
Classification: Likely benign. Last evaluated: 2024-09-23. Review status: criteria provided, single submitter. Criteria: ACMG Guidelines, 2015. Collection method: clinical testing. Allele origin: germline.

Eurofins Ntd Llc (ga)
Classification: Likely benign. Last evaluated: 2016-04-05. Review status: criteria provided, single submitter. Criteria: EGL Classification Definitions 2015. Collection method: clinical testing. Allele origin: germline. Observed: 1 variant allele, 1 heterozygote.

Natera, Inc.
Classification: Likely benign for Zellweger syndrome. Last evaluated: 2017-05-08. Review status: no assertion criteria provided. Collection method: clinical testing. Allele origin: germline. Not counted in ClinVar's aggregate classification.

Clinical Genetics DNA and cytogenetics Diagnostics Lab, Erasmus MC, Erasmus Medical Center
Classification: Likely benign. Review status: no assertion criteria provided. Collection method: clinical testing. Allele origin: germline. Affected: yes. Study: VKGL Data-share Consensus. Not counted in ClinVar's aggregate classification.

Clinical Genetics, Academic Medical Center
Classification: Likely benign. Review status: no assertion criteria provided. Collection method: clinical testing. Allele origin: germline. Affected: yes. Study: VKGL Data-share Consensus. Not counted in ClinVar's aggregate classification.

NM_000466.3(PEX1):c.3426C>T (p.Thr1142=)

Genes: GATAD1 (GATA zinc finger domain containing 1; plus strand), PEX1 (peroxisomal biogenesis factor 1; minus strand). Cytogenetic location: 7q21.2.
Variant type: single nucleotide variant.
Coding change: c.3426C>T on transcript NM_000466.3 (MANE Select); coding-DNA position 3426, C replaced by T.
Protein change: p.Thr1142=; no amino-acid change (threonine 1142 retained).
Molecular consequence: synonymous variant.
Genome position (GRCh38, 1-based): chr7:92,491,284, G>A on the plus strand (C>T on the coding strand, the complement: PEX1 is on the minus strand). VCF-style: chr7-92491284-G-A. GRCh37 (hg19) VCF-style: chr7-92120598-G-A.
Other names: c.3255C>T, p.Thr1085= (NM_001282677.2); c.2802C>T, p.Thr934= (NM_001282678.2).
Identifiers: ClinVar variation 286992 (VCV000286992.29), dbSNP rs143220470, ClinGen allele CA4340834.